The following is an entry in ClinVar:

ClinVar aggregate classification (germline): Uncertain significance (1 of 4 stars; one submission).

gnomAD v4.1: 13 of 1,614,062 alleles (0.00081%); highest among the groups gnomAD compares: South Asian, 0.0011%; no homozygotes.

Submission:

Labcorp Genetics (formerly Invitae), Labcorp
Classification: Uncertain significance. Last evaluated: 2023-07-18. Review status: criteria provided, single submitter. Criteria: Invitae Variant Classification Sherloc (09022015). Collection method: clinical testing. Allele origin: germline.
Comment: This sequence change replaces tryptophan, which is neutral and slightly polar, with arginine, which is basic and polar, at codon 5 of the EMC1 protein (p.Trp5Arg). This variant is not present in population databases (gnomAD no frequency). This variant has not been reported in the literature in individuals affected with EMC1-related conditions. ClinVar contains an entry for this variant (Variation ID: 1398652). Algorithms developed to predict the effect of missense changes on protein structure and function output the following: SIFT: "Not Available"; PolyPhen-2: "Benign"; Align-GVGD: "Not Available". The arginine amino acid residue is found in multiple mammalian species, which suggests that this missense change does not adversely affect protein function. In summary, the available evidence is currently insufficient to determine the role of this variant in disease. Therefore, it has been classified as a Variant of Uncertain Significance.

NM_015047.3(EMC1):c.13T>C (p.Trp5Arg)

Gene: EMC1 (ER membrane protein complex subunit 1; minus strand). Cytogenetic location: 1p36.13.
Variant type: single nucleotide variant.
Coding change: c.13T>C on transcript NM_015047.3 (MANE Select); coding-DNA position 13, T replaced by C.
Protein change: p.Trp5Arg; replaces tryptophan 5 with arginine.
Molecular consequence: missense variant.
Genome position (GRCh38, 1-based): chr1:19,251,497, A>G on the plus strand (T>C on the coding strand, the complement: EMC1 is on the minus strand). VCF-style: chr1-19251497-A-G. GRCh37 (hg19) VCF-style: chr1-19577991-A-G.
Other names: c.13T>C, p.Trp5Arg (NM_001271427.2, NM_001271428.2, NM_001271429.2 and 2 more transcripts); short protein forms W5R.
Identifiers: ClinVar variation 1398652 (VCV001398652.8), dbSNP rs1569583199, ClinGen allele CA338776117.
Genomic context (GRCh38, chr1:19,251,497, plus strand): 5'-CTTCGTAGACCGCGGCCGCAGGAATCAGCAGCGTAGCCCAAAGCCAGAAACGAGAAGCCC[A>G]CTCAGCCGCCATGATGCGAGCGCATGCACCACCCACCGCCGTCCCGGCATGCACCGCGCC-3'
Protein context (NP_055862.1, residues 1-15): MAAE[Trp5Arg]ASRFWLWATL